The following is an entry in ClinVar:

NM_015015.3(KDM4B):c.3134C>T (p.Pro1045Leu)

Gene: KDM4B (lysine demethylase 4B; plus strand). Cytogenetic location: 19p13.3.
Variant type: single nucleotide variant.
Coding change: c.3134C>T on transcript NM_015015.3 (MANE Select); coding-DNA position 3134, C replaced by T.
Protein change: p.Pro1045Leu; replaces proline 1045 with leucine.
Molecular consequence: missense variant.
Genome position (GRCh38, 1-based): chr19:5,151,354, C>T. VCF-style: chr19-5151354-C-T. GRCh37 (hg19) VCF-style: chr19-5151365-C-T.
Other names: c.3236C>T, p.Pro1079Leu (NM_001411148.1); short protein forms P1045L, P1079L.
Identifiers: ClinVar variation 5038617 (VCV005038617.1).

ClinVar aggregate classification (germline): Likely benign (1 of 4 stars; one submission).

gnomAD v4.1: 272 of 1,572,554 alleles (0.017%); highest among the groups gnomAD compares: South Asian, 0.28%; 1 homozygote.

Submission:

CeGaT Center for Human Genetics Tuebingen
Classification: Likely benign. Last evaluated: 2026-08-01. Review status: criteria provided, single submitter. Criteria: CeGaT Center For Human Genetics Tuebingen Variant Classification Criteria Version 2. Collection method: clinical testing. Allele origin: germline. Affected: yes. Observed: 1 variant allele.
Comment: KDM4B: BS1